The following is an entry in ClinVar:

NM_015910.7(WDPCP):c.1538G>C (p.Trp513Ser)

Gene: WDPCP (WD repeat containing planar cell polarity effector; minus strand). Cytogenetic location: 2p15.
Variant type: single nucleotide variant.
Coding change: c.1538G>C on transcript NM_015910.7 (MANE Select); coding-DNA position 1538, G replaced by C.
Protein change: p.Trp513Ser; replaces tryptophan 513 with serine.
Molecular consequence: missense variant. On other transcripts: non-coding transcript variant (3).
Genome position (GRCh38, 1-based): chr2:63,381,992, C>G on the plus strand (G>C on the coding strand, the complement: WDPCP is on the minus strand). VCF-style: chr2-63381992-C-G. GRCh37 (hg19) VCF-style: chr2-63609127-C-G.
Other names: c.1061G>C, p.Trp354Ser (NM_001042692.3); c.1466G>C, p.Trp489Ser (NM_001354044.2); c.1538G>C, p.Trp513Ser (NM_001354045.2); short protein forms W354S, W489S, W513S.
Identifiers: ClinVar variation 1414882 (VCV001414882.8), dbSNP rs2104900470, ClinGen allele CA347063331.

ClinVar aggregate classification (germline): Uncertain significance (1 of 4 stars; one submission).

Conditions:
Bardet-Biedl syndrome (BBS). Identifiers: Orphanet 110, MedGen C0752166, MONDO:0015229.

Submission:

Labcorp Genetics (formerly Invitae), Labcorp
Classification: Uncertain significance for Bardet-Biedl syndrome. Last evaluated: 2024-12-16. Review status: criteria provided, single submitter. Criteria: Invitae Variant Classification Sherloc (09022015). Collection method: clinical testing. Allele origin: germline.
Comment: This sequence change replaces tryptophan, which is neutral and slightly polar, with serine, which is neutral and polar, at codon 513 of the WDPCP protein (p.Trp513Ser). This variant is not present in population databases (gnomAD no frequency). This variant has not been reported in the literature in individuals affected with WDPCP-related conditions. ClinVar contains an entry for this variant (Variation ID: 1414882). Invitae Evidence Modeling of protein sequence and biophysical properties (such as structural, functional, and spatial information, amino acid conservation, physicochemical variation, residue mobility, and thermodynamic stability) indicates that this missense variant is expected to disrupt WDPCP protein function with a positive predictive value of 80%. In summary, the available evidence is currently insufficient to determine the role of this variant in disease. Therefore, it has been classified as a Variant of Uncertain Significance.